The following is an entry in ClinVar:

NM_004268.5(MED17):c.916G>T (p.Glu306Ter)

Gene: MED17 (mediator complex subunit 17; plus strand). Cytogenetic location: 11q21.
Variant type: single nucleotide variant.
Coding change: c.916G>T on transcript NM_004268.5 (MANE Select); coding-DNA position 916, G replaced by T.
Protein change: p.Glu306Ter; replaces glutamic acid 306 with a stop codon.
Molecular consequence: nonsense.
Genome position (GRCh38, 1-based): chr11:93,794,964, G>T. VCF-style: chr11-93794964-G-T. GRCh37 (hg19) VCF-style: chr11-93528130-G-T.
Other names: short protein forms E306*.
Identifiers: ClinVar variation 2012767 (VCV002012767.5), dbSNP rs749631821, ClinGen allele CA6232467.

ClinVar aggregate classification (germline): Pathogenic/Likely pathogenic. Review status: criteria provided, multiple submitters, no conflicts (2 of 4 stars). 2 submissions from 2 submitters: Pathogenic (1); Likely pathogenic (1). Last evaluated 2024-06-23.

Conditions:
Infantile cerebral and cerebellar atrophy with postnatal progressive microcephaly (MSBA). Identifiers: Orphanet 402364, MedGen C3150921, MONDO:0013351, OMIM 613668.

Allele frequency attached by ClinVar (database versions not stated): ExAC 0.00001; gnomAD exomes 0.00001.
gnomAD v4.1: 4 of 1,614,128 alleles (0.00025%); highest among the groups gnomAD compares: South Asian, 0.0022%; no homozygotes.

Submissions (2):

Fulgent Genetics
Classification: Likely pathogenic for Infantile cerebral and cerebellar atrophy with postnatal progressive microcephaly. Last evaluated: 2024-06-23. Review status: criteria provided, single submitter. Criteria: ACMG Guidelines, 2015. Collection method: clinical testing. Allele origin: germline.

Labcorp Genetics (formerly Invitae), Labcorp
Classification: Pathogenic. Last evaluated: 2023-10-16. Review status: criteria provided, single submitter. Criteria: Invitae Variant Classification Sherloc (09022015). Collection method: clinical testing. Allele origin: germline.
Comment: This sequence change creates a premature translational stop signal (p.Glu306*) in the MED17 gene. It is expected to result in an absent or disrupted protein product. Loss-of-function variants in MED17 are known to be pathogenic (PMID: 20950787, 26004231, 30345598). This variant is present in population databases (rs749631821, gnomAD 0.0009%). This variant has not been reported in the literature in individuals affected with MED17-related conditions. ClinVar contains an entry for this variant (Variation ID: 2012767). Algorithms developed to predict the effect of sequence changes on RNA splicing suggest that this variant may create or strengthen a splice site. For these reasons, this variant has been classified as Pathogenic.

Literature cited by the submitters: PubMed 20950787 (cited by Labcorp Genetics (formerly Invitae), Labcorp); PubMed 26004231 (cited by Labcorp Genetics (formerly Invitae), Labcorp); PubMed 30345598 (cited by Labcorp Genetics (formerly Invitae), Labcorp).